The following is an entry in ClinVar:

ClinVar aggregate classification (germline): Uncertain significance. Review status: criteria provided, multiple submitters, no conflicts (2 of 4 stars). 4 submissions from 4 submitters: Uncertain significance (4). Last evaluated 2025-11-10.

Conditions:
MYH14-related disorder. Also called: MYH14-related condition.
Peripheral neuropathy-myopathy-hoarseness-hearing loss syndrome. Identifiers: Orphanet 397744, MedGen C3280556, MONDO:0013711, OMIM 614369.

Allele frequency attached by ClinVar (database versions not stated): gnomAD 0.00001; gnomAD exomes 0.00001 and 0.00003; ExAC 0.00002; TOPMed 0.00003; 1000 Genomes Project 0.00040; 1000 Genomes Project 30x 0.00047.

Submissions (4):

Dasa
Classification: Uncertain significance for Peripheral neuropathy-myopathy-hoarseness-hearing loss syndrome. Last evaluated: 2025-11-10. Review status: criteria provided, single submitter. Criteria: DASA Assertion Criteria. Collection method: clinical testing. Allele origin: germline.
Comment: NM_001145809.2(MYH14):c.488G>A (p.Arg163Gln) is a missense variant that results in the substitution of arginine with glutamine. This variant has been reported in individuals with MYH14-related disorders (PMID: 28191911). Also, this variant is rare in population databases. The currently available literature and clinical evidence are not sufficient to establish a definitive association between this variant and the reported condition. Therefore, this variant is classified as a variant of uncertain significance.

PreventionGenetics, part of Exact Sciences
Classification: Uncertain significance for MYH14-related condition. Last evaluated: 2024-11-05. Review status: criteria provided, single submitter. Criteria: ACMG Guidelines, 2015. Collection method: clinical testing. Allele origin: germline.
Comment: The MYH14 c.488G>A variant is predicted to result in the amino acid substitution p.Arg163Gln. This variant was reported in the compound heterozygous state with a truncating variant in an individual with anorectal malformations with recto-perineal fistulas (Zhu et al. 2017. PubMed ID: 28191911). This variant is reported in 0.0098% of alleles in individuals of South Asian descent in gnomAD. At this time, the clinical significance of this variant is uncertain due to the absence of conclusive functional and genetic evidence.

Labcorp Genetics (formerly Invitae), Labcorp
Classification: Uncertain significance. Last evaluated: 2023-08-27. Review status: criteria provided, single submitter. Criteria: Invitae Variant Classification Sherloc (09022015). Collection method: clinical testing. Allele origin: germline.
Comment: This sequence change replaces arginine, which is basic and polar, with glutamine, which is neutral and polar, at codon 163 of the MYH14 protein (p.Arg163Gln). This variant is present in population databases (rs558956312, gnomAD 0.01%). This variant has not been reported in the literature in individuals affected with MYH14-related conditions. ClinVar contains an entry for this variant (Variation ID: 1698510). Advanced modeling of protein sequence and biophysical properties (such as structural, functional, and spatial information, amino acid conservation, physicochemical variation, residue mobility, and thermodynamic stability) has been performed at Invitae for this missense variant, however the output from this modeling did not meet the statistical confidence thresholds required to predict the impact of this variant on MYH14 protein function. In summary, the available evidence is currently insufficient to determine the role of this variant in disease. Therefore, it has been classified as a Variant of Uncertain Significance.

Women's Health and Genetics/Laboratory Corporation of America, LabCorp
Classification: Uncertain significance. Last evaluated: 2022-06-07. Review status: criteria provided, single submitter. Criteria: LabCorp Variant Classification Summary - May 2015. Collection method: clinical testing. Allele origin: germline.
Comment: Variant summary: MYH14 c.488G>A (p.Arg163Gln) results in a conservative amino acid change located in the Myosin head, motor domain (IPR001609) of the encoded protein sequence. Four of five in-silico tools predict a damaging effect of the variant on protein function. The variant allele was found at a frequency of 2.8e-05 in 249274 control chromosomes (gnomAD). The available data on variant occurrences in the general population are insufficient to allow any conclusion about variant significance. To our knowledge, no occurrence of c.488G>A in individuals affected with Deafness, Autosomal Dominant 4 and no experimental evidence demonstrating its impact on protein function have been reported. No clinical diagnostic laboratories have submitted clinical-significance assessments for this variant to ClinVar after 2014. Based on the evidence outlined above, the variant was classified as uncertain significance.

Literature cited by the submitters: PubMed 28191911 (cited by Dasa).

NM_001145809.2(MYH14):c.488G>A (p.Arg163Gln)

Gene: MYH14 (myosin heavy chain 14; plus strand). Cytogenetic location: 19q13.33.
Variant type: single nucleotide variant.
Coding change: c.488G>A on transcript NM_001145809.2 (MANE Select); coding-DNA position 488, G replaced by A.
Protein change: p.Arg163Gln; replaces arginine 163 with glutamine.
Molecular consequence: missense variant.
Genome position (GRCh38, 1-based): chr19:50,217,697, G>A. VCF-style: chr19-50217697-G-A. GRCh37 (hg19) VCF-style: chr19-50720954-G-A.
Other names: c.488G>A, p.Arg163Gln (NM_001077186.2, NM_024729.4); c.488G>A (NM_001145809.1); short protein forms R163Q.
Identifiers: ClinVar variation 1698510 (VCV001698510.7), dbSNP rs558956312, ClinGen allele CA9592272.
Genomic context (GRCh38, chr19:50,217,697, plus strand): 5'-TGGTCATCAACCCGTACAAGCAGCTTCCCATCTACACAGAAGCCATTGTGGAGATGTACC[G>A]GGGCAAGAAGCGCCACGAGGTGCCACCCCACGTGTACGCAGTGACCGAGGGGGCCTATCG-3'
Protein context (NP_001139281.1, residues 153-173): IYTEAIVEMY[Arg163Gln]GKKRHEVPPH